The following is an entry in ClinVar:

NM_001375808.2(LPIN2):c.1417C>A (p.Leu473Ile)

Gene: LPIN2 (lipin 2; minus strand). Cytogenetic location: 18p11.31.
Variant type: single nucleotide variant.
Coding change: c.1417C>A on transcript NM_001375808.2 (MANE Select); coding-DNA position 1417, C replaced by A.
Protein change: p.Leu473Ile; replaces leucine 473 with isoleucine.
Molecular consequence: missense variant.
Genome position (GRCh38, 1-based): chr18:2,931,295, G>T on the plus strand (C>A on the coding strand, the complement: LPIN2 is on the minus strand). VCF-style: chr18-2931295-G-T. GRCh37 (hg19) VCF-style: chr18-2931293-G-T.
Other names: c.1417C>A, p.Leu473Ile (NM_001375809.1, NM_014646.2); short protein forms L473I.
Identifiers: ClinVar variation 1958611 (VCV001958611.2), dbSNP rs370896659, ClinGen allele CA8873115.

ClinVar aggregate classification (germline): Uncertain significance (1 of 4 stars; one submission).

Conditions:
Majeed syndrome (MJDS). Also called: LPIN2-Related Majeed Syndrome; CHRONIC RECURRENT MULTIFOCAL OSTEOMYELITIS 1, WITH CONGENITAL DYSERYTHROPOIETIC ANEMIA, WITH OR WITHOUT NEUTROPHILIC DERMATOSIS. Identifiers: Orphanet 77297, MedGen C1864997, MONDO:0012316, OMIM 609628.

Allele frequency attached by ClinVar (database versions not stated): ExAC 0.00001; gnomAD 0.00003; TOPMed 0.00003; ESP Exome Variant Server 0.00008.
gnomAD v4.1: 26 of 1,614,088 alleles (0.0016%); highest among the groups gnomAD compares: Non-Finnish European, 0.0019%; no homozygotes.

Submission:

Labcorp Genetics (formerly Invitae), Labcorp
Classification: Uncertain significance for Majeed syndrome. Last evaluated: 2022-03-17. Review status: criteria provided, single submitter. Criteria: Invitae Variant Classification Sherloc (09022015). Collection method: clinical testing. Allele origin: germline.
Comment: This sequence change replaces leucine, which is neutral and non-polar, with isoleucine, which is neutral and non-polar, at codon 473 of the LPIN2 protein (p.Leu473Ile). This variant is present in population databases (rs370896659, gnomAD 0.007%). This variant has not been reported in the literature in individuals affected with LPIN2-related conditions. Algorithms developed to predict the effect of missense changes on protein structure and function are either unavailable or do not agree on the potential impact of this missense change (SIFT: "Deleterious"; PolyPhen-2: "Possibly Damaging"; Align-GVGD: "Class C0"). In summary, the available evidence is currently insufficient to determine the role of this variant in disease. Therefore, it has been classified as a Variant of Uncertain Significance.